The following is an entry in ClinVar:

NM_002485.5(NBN):c.2089G>A (p.Gly697Arg)

Gene: NBN (nibrin; minus strand). Cytogenetic location: 8q21.3.
Variant type: single nucleotide variant.
Coding change: c.2089G>A on transcript NM_002485.5 (MANE Select); coding-DNA position 2089, G replaced by A.
Protein change: p.Gly697Arg; replaces glycine 697 with arginine.
Molecular consequence: missense variant.
Genome position (GRCh38, 1-based): chr8:89,943,348, C>T on the plus strand (G>A on the coding strand, the complement: NBN is on the minus strand). VCF-style: chr8-89943348-C-T. GRCh37 (hg19) VCF-style: chr8-90955576-C-T.
Other names: c.1843G>A, p.Gly615Arg (NM_001024688.3); short protein forms G615R, G697R.
Identifiers: ClinVar variation 3298626 (VCV003298626.1).

ClinVar aggregate classification (germline): Uncertain significance (1 of 4 stars; one submission).

Conditions:
Hereditary cancer-predisposing syndrome. Also called: Tumor predisposition; Hereditary Cancer Syndrome; Hereditary neoplastic syndrome; Neoplastic Syndromes, Hereditary. Identifiers: Orphanet 140162, MedGen C0027672, MeSH D009386, MONDO:0015356.

Submission:

Ambry Genetics
Classification: Uncertain significance for Hereditary cancer-predisposing syndrome. Last evaluated: 2024-03-27. Review status: criteria provided, single submitter. Criteria: Ambry Variant Classification Scheme 2023. Collection method: clinical testing. Allele origin: germline.
Comment: The p.G697R variant (also known as c.2089G>A), located in coding exon 14 of the NBN gene, results from a G to A substitution at nucleotide position 2089. The glycine at codon 697 is replaced by arginine, an amino acid with dissimilar properties. This amino acid position is highly conserved in available vertebrate species. In addition, the in silico prediction for this alteration is inconclusive. Based on the available evidence, the clinical significance of this alteration remains unclear.